The following is an entry in ClinVar:

ClinVar aggregate classification (germline): Uncertain significance (1 of 4 stars; one submission).

Submission:

Labcorp Genetics (formerly Invitae), Labcorp
Classification: Uncertain significance. Last evaluated: 2024-07-24. Review status: criteria provided, single submitter. Criteria: Invitae Variant Classification Sherloc (09022015). Collection method: clinical testing. Allele origin: germline.
Comment: This sequence change replaces glutamine, which is neutral and polar, with arginine, which is basic and polar, at codon 1121 of the SIN3A protein (p.Gln1121Arg). This variant is not present in population databases (gnomAD no frequency). This variant has not been reported in the literature in individuals affected with SIN3A-related conditions. Advanced modeling of protein sequence and biophysical properties (such as structural, functional, and spatial information, amino acid conservation, physicochemical variation, residue mobility, and thermodynamic stability) performed at Invitae indicates that this missense variant is not expected to disrupt SIN3A protein function with a negative predictive value of 80%. In summary, the available evidence is currently insufficient to determine the role of this variant in disease. Therefore, it has been classified as a Variant of Uncertain Significance.

NM_001145358.2(SIN3A):c.3362A>G (p.Gln1121Arg)

Gene: SIN3A (SIN3 transcription regulator family member A; minus strand). Cytogenetic location: 15q24.2.
Variant type: single nucleotide variant.
Coding change: c.3362A>G on transcript NM_001145358.2 (MANE Select); coding-DNA position 3362, A replaced by G.
Protein change: p.Gln1121Arg; replaces glutamine 1121 with arginine.
Molecular consequence: missense variant.
Genome position (GRCh38, 1-based): chr15:75,380,650, T>C on the plus strand (A>G on the coding strand, the complement: SIN3A is on the minus strand). VCF-style: chr15-75380650-T-C. GRCh37 (hg19) VCF-style: chr15-75672991-T-C.
Other names: c.3362A>G, p.Gln1121Arg (NM_001145357.2, NM_015477.3); short protein forms Q1121R.
Identifiers: ClinVar variation 3610559 (VCV003610559.2).